The following is an entry in ClinVar:

NM_001127198.5(TMC6):c.1175C>T (p.Thr392Met)

Gene: TMC6 (transmembrane channel like 6; minus strand). Cytogenetic location: 17q25.3.
Variant type: single nucleotide variant.
Coding change: c.1175C>T on transcript NM_001127198.5 (MANE Select); coding-DNA position 1175, C replaced by T.
Protein change: p.Thr392Met; replaces threonine 392 with methionine.
Molecular consequence: missense variant.
Genome position (GRCh38, 1-based): chr17:78,122,657, G>A on the plus strand (C>T on the coding strand, the complement: TMC6 is on the minus strand). VCF-style: chr17-78122657-G-A. GRCh37 (hg19) VCF-style: chr17-76118738-G-A.
Other names: c.1175C>T, p.Thr392Met (NM_001321185.1, NM_001374593.1, NM_001374594.1 and 4 more transcripts); short protein forms T392M.
Identifiers: ClinVar variation 1005756 (VCV001005756.6), dbSNP rs765228601, ClinGen allele CA8795848.

ClinVar aggregate classification (germline): Uncertain significance. Review status: criteria provided, multiple submitters, no conflicts (2 of 4 stars). 2 submissions from 2 submitters: Uncertain significance (2). Last evaluated 2024-10-22.

Conditions:
Epidermodysplasia verruciformis, susceptibility to, 1. Identifiers: Orphanet 302, MedGen C4722564, MONDO:0100045, OMIM 226400.
Epidermodysplasia verruciformis. Identifiers: Orphanet 302, MedGen C0014522, MONDO:0009176.

Allele frequency attached by ClinVar (database versions not stated): gnomAD 0.00004 and 0.00005; gnomAD exomes 0.00005 and 0.00013; TOPMed 0.00005; ExAC 0.00013.
gnomAD v4.1: 72 of 1,611,970 alleles (0.0045%); highest among the groups gnomAD compares: Admixed American, 0.03%; no homozygotes.

Submissions (2):

Labcorp Genetics (formerly Invitae), Labcorp
Classification: Uncertain significance for Epidermodysplasia verruciformis. Last evaluated: 2024-10-22. Review status: criteria provided, single submitter. Criteria: Invitae Variant Classification Sherloc (09022015). Collection method: clinical testing. Allele origin: germline.
Comment: This sequence change replaces threonine, which is neutral and polar, with methionine, which is neutral and non-polar, at codon 392 of the TMC6 protein (p.Thr392Met). This variant is present in population databases (rs765228601, gnomAD 0.05%). This variant has not been reported in the literature in individuals affected with TMC6-related conditions. ClinVar contains an entry for this variant (Variation ID: 1005756). An algorithm developed to predict the effect of missense changes on protein structure and function (PolyPhen-2) suggests that this variant¬†is likely to be tolerated. In summary, the available evidence is currently insufficient to determine the role of this variant in disease. Therefore, it has been classified as a Variant of Uncertain Significance.

Fulgent Genetics
Classification: Uncertain significance for Epidermodysplasia verruciformis, susceptibility to, 1. Last evaluated: 2021-10-05. Review status: criteria provided, single submitter. Criteria: ACMG Guidelines, 2015. Collection method: clinical testing. Allele origin: unknown.